The following is an entry in ClinVar:

ClinVar aggregate classification (germline): Uncertain significance (1 of 4 stars; one submission).

Conditions:
Catecholaminergic polymorphic ventricular tachycardia (CVPT). Also called: Catecholamine-induced polymorphic ventricular tachycardia. Identifiers: Orphanet 3286, MedGen C5574922, MONDO:0017990.

Submission:

All of Us Research Program, National Institutes of Health
Classification: Uncertain significance for Catecholaminergic polymorphic ventricular tachycardia. Last evaluated: 2023-12-13. Review status: criteria provided, single submitter. Criteria: ACMG Guidelines, 2015. Collection method: clinical testing. Allele origin: germline. Inheritance: Autosomal dominant inheritance. Observed: 1 variant allele, 1 heterozygote.
Comment: This missense variant replaces valine with isoleucine at codon 3599 of the RYR2 protein. Computational prediction is inconclusive regarding the impact of this variant on protein structure and function (internally defined REVEL score threshold 0.5 < inconclusive < 0.7, PMID: 27666373). To our knowledge, functional studies have not been reported for this variant. This variant has not been reported in individuals affected with RYR2-related disorders in the literature. This variant has not been identified in the general population by the Genome Aggregation Database (gnomAD). The available evidence is insufficient to determine the role of this variant in disease conclusively. Therefore, this variant is classified as a Variant of Uncertain Significance.

This study involves interpretation of variants in research participants for the purpose of population health screening. Participant phenotype was not available at the time of variant classification. Additional details can be found in publication PMID: 35346344, PMCID: PMC8962531

NM_001035.3(RYR2):c.10795G>A (p.Val3599Ile)

Gene: RYR2 (ryanodine receptor 2; plus strand). Cytogenetic location: 1q43.
Variant type: single nucleotide variant.
Coding change: c.10795G>A on transcript NM_001035.3 (MANE Select); coding-DNA position 10795, G replaced by A.
Protein change: p.Val3599Ile; replaces valine 3599 with isoleucine.
Molecular consequence: missense variant.
Genome position (GRCh38, 1-based): chr1:237,727,156, G>A. VCF-style: chr1-237727156-G-A. GRCh37 (hg19) VCF-style: chr1-237890456-G-A.
Other names: short protein forms V3599I.
Identifiers: ClinVar variation 3074849 (VCV003074849.1), dbSNP rs2526999853, ClinGen allele CA345416934.